The following is an entry in ClinVar:

ClinVar aggregate classification (germline): Uncertain significance. Review status: criteria provided, multiple submitters, no conflicts (2 of 4 stars). 2 submissions from 2 submitters: Uncertain significance (2). Last evaluated 2022-07-21.

Conditions:
Congenital cataract-progressive muscular hypotonia-hearing loss-developmental delay syndrome. Also called: Myopathy with cataract and combined respiratory-chain deficiency; MITOCHONDRIAL COMPLEX DEFICIENCY, COMBINED. Identifiers: Orphanet 330054, MedGen C2751320, MONDO:0013116, OMIM 613076.

Allele frequency attached by ClinVar (database versions not stated): gnomAD 0.00001; TOPMed 0.00001; ExAC 0.00007.
gnomAD v4.1: 43 of 1,558,246 alleles (0.0028%); highest among the groups gnomAD compares: Non-Finnish European, 0.0037%; no homozygotes.

Submissions (2):

Labcorp Genetics (formerly Invitae), Labcorp
Classification: Uncertain significance. Last evaluated: 2022-07-21. Review status: criteria provided, single submitter. Criteria: Invitae Variant Classification Sherloc (09022015). Collection method: clinical testing. Allele origin: germline.
Comment: In summary, the available evidence is currently insufficient to determine the role of this variant in disease. Therefore, it has been classified as a Variant of Uncertain Significance. Algorithms developed to predict the effect of sequence changes on RNA splicing suggest that this variant may disrupt the consensus splice site. The frequency data for this variant in the population databases is considered unreliable, as metrics indicate poor data quality at this position in the gnomAD database. This variant has not been reported in the literature in individuals affected with GFER-related conditions. This sequence change affects a donor splice site in intron 1 of the GFER gene. It is expected to disrupt RNA splicing. Variants that disrupt the donor or acceptor splice site typically lead to a loss of protein function (PMID: 16199547), however the current clinical and genetic evidence is not sufficient to establish whether loss-of-function variants in GFER cause disease.

Victorian Clinical Genetics Services, Murdoch Childrens Research Institute
Classification: Uncertain significance for Congenital cataract-progressive muscular hypotonia-hearing loss-developmental delay syndrome. Last evaluated: 2020-05-25. Review status: criteria provided, single submitter. Criteria: ACMG Guidelines, 2015. Collection method: clinical testing. Allele origin: germline. Inheritance: Autosomal recessive inheritance. Affected: yes.
Comment: A heterozygous canonical splice site variant was identified, NM_005262.2(GFER):c.258+1G>A in intron 1 of 2 of the GFER gene. This substitution is predicted to cause aberrant splicing of exon 1 in the GFER gene, affecting protein function; further testing via RNA studies are required to confirm if splicing is altered. The nucleotide at this position has high conservation (PhyloP UCSC). In silico software predicts the disruption of the donor splice site (NetGene2, Human Splicing Finder). The variant is present in the gnomAD population database at a frequency 0.0006% (1 heterozygote; 0 homozygotes). An alternative nucleotide change to cytosine at the same location has also been reported in the gnomAD database at a frequency of 0.0006%. The variant has not been previously observed in clinical cases. Based on information available at the time of curation, this variant has been classified as a VUS with POTENTIAL CLINICAL RELEVANCE.

Literature cited by the submitters: PubMed 16199547 (cited by Labcorp Genetics (formerly Invitae), Labcorp).

NM_005262.3(GFER):c.258+1G>A

Genes: GFER (growth factor, augmenter of liver regeneration; plus strand), LOC130058203 (ATAC-STARR-seq lymphoblastoid silent region 7014; plus strand). Cytogenetic location: 16p13.3.
Variant type: single nucleotide variant.
Coding change: c.258+1G>A on transcript NM_005262.3 (MANE Select); the canonical splice donor site of the intron after coding-DNA position 258, G replaced by A.
Molecular consequence: splice donor variant.
Genome position (GRCh38, 1-based): chr16:1,984,477, G>A. VCF-style: chr16-1984477-G-A. GRCh37 (hg19) VCF-style: chr16-2034478-G-A.
Identifiers: ClinVar variation 1805487 (VCV001805487.4), dbSNP rs770900182, ClinGen allele CA7825983.